The following is an entry in ClinVar:

NM_018136.5(ASPM):c.3725C>T (p.Thr1242Ile)

Gene: ASPM (assembly factor for spindle microtubules; minus strand). Cytogenetic location: 1q31.3.
Variant type: single nucleotide variant.
Coding change: c.3725C>T on transcript NM_018136.5 (MANE Select); coding-DNA position 3725, C replaced by T.
Protein change: p.Thr1242Ile; replaces threonine 1242 with isoleucine.
Molecular consequence: missense variant.
Genome position (GRCh38, 1-based): chr1:197,122,175, G>A on the plus strand (C>T on the coding strand, the complement: ASPM is on the minus strand). VCF-style: chr1-197122175-G-A. GRCh37 (hg19) VCF-style: chr1-197091305-G-A.
Other names: c.3725C>T, p.Thr1242Ile (NM_001206846.2); short protein forms T1242I.
Identifiers: ClinVar variation 1033472 (VCV001033472.1), dbSNP rs923491109, ClinGen allele CA35883331.

ClinVar aggregate classification (germline): Uncertain significance (1 of 4 stars; one submission).

Conditions:
Microcephaly 5, primary, autosomal recessive (MCPH5). Also called: ASPM Primary Microcephaly. Identifiers: Orphanet 2512, MedGen C1837501, MONDO:0012106, OMIM 608716.

Allele frequency attached by ClinVar (database versions not stated): gnomAD 0.00001; TOPMed 0.00002.
gnomAD v4.1: 10 of 1,610,828 alleles (0.00062%); highest among the groups gnomAD compares: Non-Finnish European, 0.00085%; no homozygotes.

Submission:

Baylor Genetics
Classification: Uncertain significance for Microcephaly 5, primary, autosomal recessive. Last evaluated: 2018-06-13. Review status: criteria provided, single submitter. Criteria: ACMG Guidelines, 2015. Collection method: clinical testing. Allele origin: paternal. Affected: yes.
Comment: This variant was determined to be of uncertain significance according to ACMG Guidelines, 2015 [PMID:25741868].